The following is an entry in ClinVar:

ClinVar aggregate classification (germline): Pathogenic. Review status: reviewed by expert panel (3 of 4 stars). 9 submissions from 9 submitters: Pathogenic (1). 8 of the submissions do not count toward it. Last evaluated 2017-12-15.

Conditions:
Familial prostate cancer. Also called: Hereditary Prostate Cancer. Identifiers: MedGen C2931456, MONDO:0700275, OMIM 176807.
Familial cancer of breast. Also called: hereditary breast carcinoma; BREAST CANCER, FAMILIAL; Hereditary breast cancer. Identifiers: Orphanet 227535, MedGen C0346153, MONDO:0016419, OMIM 114480. Disease mechanism: loss of function.
Breast-ovarian cancer, familial, susceptibility to, 2 (BROVCA2). Also called: BRCA2 Hereditary Breast and Ovarian Cancer. Identifiers: Orphanet 145, MedGen C2675520, MONDO:0012933, OMIM 612555. Disease mechanism: loss of function.
Medulloblastoma (MDB). Also called: Medulloblastoma, somatic; MEDULLOBLASTOMA PREDISPOSITION SYNDROME. Identifiers: Orphanet 616, MedGen C0025149, MeSH D008527, MONDO:0007959, OMIM 155255, HP:0002885.
Wilms tumor 1 (WT1). Also called: Wilms tumor, somatic. Identifiers: Orphanet 654, MedGen CN033288, MONDO:0008679, OMIM 194070.
Pancreatic cancer, susceptibility to, 2. Identifiers: Orphanet 1333, MedGen C3150546, MONDO:0013235, OMIM 613347.
Glioma susceptibility 3 (GLM3). Also called: Glioblastoma 3. Identifiers: Orphanet 182067, Orphanet 360, MedGen C2751641, MONDO:0013093, OMIM 613029.
Fanconi anemia complementation group D1. Also called: BRCA2-Related Fanconi Anemia. Identifiers: Orphanet 319462, MedGen C1838457, MONDO:0011584, OMIM 605724.
BRCA2-related cancer predisposition. Identifiers: MedGen CN377758, MONDO:0700269.
Hereditary cancer-predisposing syndrome. Also called: Hereditary Cancer Syndrome; Tumor predisposition; Neoplastic Syndromes, Hereditary; Hereditary neoplastic syndrome. Identifiers: Orphanet 140162, MedGen C0027672, MeSH D009386, MONDO:0015356.
Hereditary breast ovarian cancer syndrome. Also called: Breast and ovarian cancer; Hereditary breast and ovarian cancer syndrome; BRCA1- and BRCA2-Associated Hereditary Breast and Ovarian Cancer; Hereditary breast and ovarian cancer syndrome (HBOC); Hereditary breast and/or ovarian cancer syndrome; Hereditary breast and ovarian cancer. Identifiers: Orphanet 145, MedGen C0677776, MeSH D061325, MONDO:0003582. Disease mechanism: loss of function.

Allele frequency attached by ClinVar (database versions not stated): gnomAD exomes below 0.00001; TOPMed 0.00001; gnomAD 0.00001.

Submissions (9):

Evidence-based Network for the Interpretation of Germline Mutant Alleles (ENIGMA)
Classification: Pathogenic for Breast-ovarian cancer, familial, susceptibility to, 2. Last evaluated: 2017-12-15. Review status: reviewed by expert panel. Criteria: ENIGMA BRCA1/2 Classification Criteria (2017-06-29). Collection method: curation. Allele origin: germline. Study: ENIGMA.
Comment: Variant allele predicted to encode a truncated non-functional protein.

Labcorp Genetics (formerly Invitae), Labcorp
Classification: Pathogenic for Hereditary breast ovarian cancer syndrome. Last evaluated: 2025-11-17. Review status: criteria provided, single submitter. Criteria: Invitae Variant Classification Sherloc (09022015). Collection method: clinical testing. Allele origin: germline. Not counted in ClinVar's aggregate classification.
Comment: This sequence change creates a premature translational stop signal (p.Ile1151Tyrfs*7) in the BRCA2 gene. It is expected to result in an absent or disrupted protein product. Loss-of-function variants in BRCA2 are known to be pathogenic (PMID: 20104584). This variant is not present in population databases (gnomAD no frequency). This variant has not been reported in the literature in individuals affected with BRCA2-related conditions. ClinVar contains an entry for this variant (Variation ID: 419825). For these reasons, this variant has been classified as Pathogenic.

Ambry Genetics
Classification: Pathogenic for Hereditary cancer-predisposing syndrome. Last evaluated: 2025-05-20. Review status: criteria provided, single submitter. Criteria: Ambry Variant Classification Scheme 2023. Collection method: clinical testing. Allele origin: germline. Not counted in ClinVar's aggregate classification.
Comment: The c.3450dupT pathogenic mutation, located in coding exon 10 of the BRCA2 gene, results from a duplication of T at nucleotide position 3450, causing a translational frameshift with a predicted alternate stop codon (p.I1151Yfs*7). This variant is considered to be rare based on population cohorts in the Genome Aggregation Database (gnomAD). This alteration is expected to result in loss of function by premature protein truncation or nonsense-mediated mRNA decay. As such, this alteration is interpreted as a disease-causing mutation.

Fulgent Genetics
Classification: Pathogenic for Familial cancer of breast; Medulloblastoma; Familial prostate cancer; Wilms tumor 1; Fanconi anemia complementation group D1; Breast-ovarian cancer, familial, susceptibility to, 2; Glioma susceptibility 3; Pancreatic cancer, susceptibility to, 2. Last evaluated: 2024-04-14. Review status: criteria provided, single submitter. Criteria: ACMG Guidelines, 2015. Collection method: clinical testing. Allele origin: germline. Not counted in ClinVar's aggregate classification.

All of Us Research Program, National Institutes of Health
Classification: Pathogenic for BRCA2-related cancer predisposition. Last evaluated: 2024-03-14. Review status: criteria provided, single submitter. Criteria: ACMG Guidelines, 2015. Collection method: clinical testing. Allele origin: germline. Inheritance: Autosomal dominant inheritance. Observed: 1 variant allele, 1 heterozygote. Not counted in ClinVar's aggregate classification.
Comment: This variant inserts 1 nucleotide in exon 11 of the BRCA2 gene, creating a frameshift and premature translation stop signal. This variant is expected to result in an absent or non-functional protein product. To our knowledge, this variant has not been reported in individuals affected with BRCA2-related disorders in the literature. This variant has not been identified in the general population by the Genome Aggregation Database (gnomAD). Loss of BRCA2 function is a known mechanism of disease. Based on the available evidence, this variant is classified as Pathogenic.

This study involves interpretation of variants in research participants for the purpose of population health screening. Participant phenotype was not available at the time of variant classification. Additional details can be found in publication PMID: 35346344, PMCID: PMC8962531

GeneDx
Classification: Pathogenic. Last evaluated: 2023-09-27. Review status: criteria provided, single submitter. Criteria: GeneDx Variant Classification Process June 2021. Collection method: clinical testing. Allele origin: germline. Affected: yes. Not counted in ClinVar's aggregate classification.
Comment: Frameshift variant predicted to result in protein truncation or nonsense mediated decay in a gene for which loss-of-function is a known mechanism of disease; Truncating variants in this gene are considered pathogenic by a well-established clinical consortium and/or database; Observed in individuals with personal or family history of breast and/or ovarian cancer (Singh et al., 2018); Not observed at significant frequency in large population cohorts (gnomAD); Also known as 3678dup; This variant is associated with the following publications: (PMID: 31447099, 30787465, 29470806)

Baylor Genetics
Classification: Pathogenic for Familial cancer of breast. Last evaluated: 2021-08-28. Review status: criteria provided, single submitter. Criteria: ACMG Guidelines, 2015. Collection method: clinical testing. Allele origin: unknown. Not counted in ClinVar's aggregate classification.

Women's Health and Genetics/Laboratory Corporation of America, LabCorp
Classification: Pathogenic for Hereditary breast and ovarian cancer syndrome. Last evaluated: 2019-03-01. Review status: criteria provided, single submitter. Criteria: LabCorp Variant Classification Summary - May 2015. Collection method: clinical testing. Allele origin: germline. Not counted in ClinVar's aggregate classification.
Comment: Variant summary: BRCA2 c.3450dupT (p.Ile1151TyrfsX7) results in a premature termination codon, predicted to cause a truncation of the encoded protein or absence of the protein due to nonsense mediated decay, which are commonly known mechanisms for disease. Truncations downstream of this position have been classified as pathogenic by our laboratory (c.3455T>G, p.Leu1152X; c.3481_3482dupGA, p.Asp1161fsX8; c.3545_3546delTT, p.Phe1182X). The variant was absent in 245786 control chromosomes. To our knowledge, no occurrence of c.3450dupT in individuals affected with Hereditary Breast and Ovarian Cancer and no experimental evidence demonstrating its impact on protein function have been reported. Four clinical diagnostic laboratories have submitted clinical-significance assessments for this variant to ClinVar after 2014 without evidence for independent evaluation. All laboratories classified the variant as pathogenic. Based on the evidence outlined above, the variant was classified as pathogenic.

Quest Diagnostics Nichols Institute San Juan Capistrano
Classification: Pathogenic. Last evaluated: 2017-11-15. Review status: criteria provided, single submitter. Criteria: Quest Diagnostics criteria. Collection method: clinical testing. Allele origin: germline. Not counted in ClinVar's aggregate classification.

Literature cited by the submitters: PubMed 20104584 (cited by Labcorp Genetics (formerly Invitae), Labcorp).

NM_000059.4(BRCA2):c.3450dup (p.Ile1151fs)

Gene: BRCA2 (BRCA2 DNA repair associated; plus strand). Cytogenetic location: 13q13.1.
Variant type: Duplication.
Coding change: c.3450dup on transcript NM_000059.4 (MANE Select); coding-DNA position 3450, one base duplicated (T; older notation c.3450dupT).
Protein change: p.Ile1151fs; shifts the reading frame from isoleucine 1151.
Molecular consequence: frameshift variant.
Genome position (GRCh38, 1-based): chr13:32,337,805, T duplicated. VCF-style (leftmost placement, unchanged base first): chr13-32337804-C-CT. GRCh37 (hg19) VCF-style: chr13-32911941-C-CT.
Other names: c.3450dupT (NM_000059.3); short protein forms I1151fs.
Identifiers: ClinVar variation 419825 (VCV000419825.25), dbSNP rs397507668, ClinGen allele CA16619697.